The following is an entry in ClinVar:

NM_000179.3(MSH6):c.1773A>T (p.Pro591=)

Gene: MSH6 (mutS homolog 6; plus strand). Cytogenetic location: 2p16.3.
Variant type: single nucleotide variant.
Coding change: c.1773A>T on transcript NM_000179.3 (MANE Select); coding-DNA position 1773, A replaced by T.
Protein change: p.Pro591=; no amino-acid change (proline 591 retained).
Molecular consequence: synonymous variant. On other transcripts: non-coding transcript variant (4), intron variant (2).
Genome position (GRCh38, 1-based): chr2:47,799,756, A>T. VCF-style: chr2-47799756-A-T. GRCh37 (hg19) VCF-style: chr2-48026895-A-T.
Other names: c.1383A>T, p.Pro461= (NM_001281492.2); c.867A>T, p.Pro289= (NM_001281493.2, NM_001281494.2, NM_001406811.1 and 6 more transcripts); c.1869A>T, p.Pro623= (NM_001406795.1, NM_001406802.1); c.1773A>T, p.Pro591= (NM_001406796.1, NM_001406798.1, NM_001406800.1 and 3 more transcripts); c.1476A>T, p.Pro492= (NM_001406797.1, NM_001406801.1, NM_001406805.1 and 10 more transcripts); c.1248A>T, p.Pro416= (NM_001406799.1, NM_001406806.1, NM_001406807.1); c.1695A>T, p.Pro565= (NM_001406804.1); c.1779A>T, p.Pro593= (NM_001406813.1); and 3 more.
Identifiers: ClinVar variation 4689646 (VCV004689646.1).
Genomic context (GRCh38, chr2:47,799,756, plus strand): 5'-TCAGTTTTCAGATGATCGCCATTGTTCGAGATTTAGGACTCTAGTGGCACACTATCCCCC[A>T]GTACAAGTTTTATTTGAAAAAGGAAATCTCTCAAAGGAAACTAAAACAATTCTAAAGAGT-3'
Protein context (NP_000170.1, residues 581-601): RFRTLVAHYP[Pro591=]VQVLFEKGNL

ClinVar aggregate classification (germline): Likely benign (1 of 4 stars; one submission).

Submission:

Women's Health and Genetics/Laboratory Corporation of America, LabCorp
Classification: Likely benign. Last evaluated: 2026-01-05. Review status: criteria provided, single submitter. Criteria: LabCorp Variant Classification Summary - May 2015. Collection method: clinical testing. Allele origin: germline.
Comment: Variant summary: MSH6 c.1773A>T alters a conserved nucleotide resulting in a synonymous change. Consensus agreement among computation tools predict no significant impact on normal splicing. However, these predictions have yet to be confirmed by functional studies. The variant was absent in 250290 control chromosomes. The available data on variant occurrences in the general population are insufficient to allow any conclusion about variant significance. To our knowledge, no occurrence of c.1773A>T in individuals affected with MSH6-related conditions and no experimental evidence demonstrating its impact on protein function have been reported. No submitters have cited clinical-significance assessments for this variant to ClinVar. Based on the evidence outlined above, the variant was classified as likely benign.